The following is an entry in ClinVar:

ClinVar aggregate classification (germline): Conflicting classifications of pathogenicity. Review status: criteria provided, conflicting classifications (1 of 4 stars). 7 submissions from 7 submitters: Uncertain significance (1); Likely benign (6). Last evaluated 2025-10-02.

Conditions:
PLEC-related disorder. Also called: PLEC-related disorders; PLEC-related condition.
Epidermolysis bullosa simplex with nail dystrophy (EBS5D). Identifiers: MedGen C4225309, MONDO:0014661, OMIM 616487.
Autosomal recessive limb-girdle muscular dystrophy type 2Q (LGMDR17). Also called: MUSCULAR DYSTROPHY, LIMB-GIRDLE, AUTOSOMAL RECESSIVE 17. Identifiers: Orphanet 254361, MedGen C3150989, MONDO:0013390, OMIM 613723.
Epidermolysis bullosa simplex 5C, with pyloric atresia (EBS5C). Also called: PLEC-Related Epidermolysis Bullosa with Pyloric Atresia; Epidermolysis bullosa simplex with pyloric atresia; PLEC1-Related Epidermolysis Bullosa with Pyloric Atresia. Identifiers: Orphanet 158684, MedGen C2677349, MONDO:0012807, OMIM 612138.
Epidermolysis bullosa simplex 5B, with muscular dystrophy (EBS5B). Also called: EPIDERMOLYSIS BULLOSA SIMPLEX AND LIMB-GIRDLE MUSCULAR DYSTROPHY; Epidermolysis bullosa simplex with muscular dystrophy. Identifiers: Orphanet 257, MedGen C2931072, MONDO:0009181, OMIM 226670.
Epidermolysis bullosa simplex, Ogna type (EBS5A). Also called: Pidermolysis bullosa simplex 5A, Ogna type; EPIDERMOLYSIS BULLOSA SIMPLEX 5A, OGNA TYPE. Identifiers: Orphanet 79401, MedGen C0432317, MONDO:0007555, OMIM 131950.

Allele frequency attached by ClinVar (database versions not stated): ExAC 0.00013; gnomAD exomes 0.00014 and 0.00026; 1000 Genomes Project 30x 0.00016; gnomAD 0.00017; TOPMed 0.00017.
gnomAD v4.1: 404 of 1,607,280 alleles (0.025%); highest among the groups gnomAD compares: Non-Finnish European, 0.032%; no homozygotes.

Submissions (7):

Labcorp Genetics (formerly Invitae), Labcorp
Classification: Likely benign for Autosomal recessive limb-girdle muscular dystrophy type 2Q; Epidermolysis bullosa simplex, Ogna type; Epidermolysis bullosa simplex with nail dystrophy; Epidermolysis bullosa simplex 5C, with pyloric atresia; Epidermolysis bullosa simplex 5B, with muscular dystrophy. Last evaluated: 2025-10-02. Review status: criteria provided, single submitter. Criteria: Invitae Variant Classification Sherloc (09022015). Collection method: clinical testing. Allele origin: germline.

Mayo Clinic Laboratories, Mayo Clinic
Classification: Likely benign. Last evaluated: 2025-01-03. Review status: criteria provided, single submitter. Criteria: ACMG Guidelines, 2015. Collection method: clinical testing. Allele origin: germline. Observed: 2 variant alleles.
Comment: BP4, BP7

Women's Health and Genetics/Laboratory Corporation of America, LabCorp
Classification: Likely benign. Last evaluated: 2024-11-25. Review status: criteria provided, single submitter. Criteria: LabCorp Variant Classification Summary - May 2015. Collection method: clinical testing. Allele origin: germline.

PreventionGenetics, part of Exact Sciences
Classification: Likely benign for PLEC-related condition. Last evaluated: 2024-10-16. Review status: criteria provided, single submitter. Criteria: ACMG Guidelines, 2015. Collection method: clinical testing. Allele origin: germline.
Comment: This variant is classified as likely benign based on ACMG/AMP sequence variant interpretation guidelines (Richards et al. 2015 PMID: 25741868, with internal and published modifications).

Blueprint Genetics
Classification: Likely benign. Last evaluated: 2024-09-17. Review status: criteria provided, single submitter. Criteria: ACMG Guidelines, 2015. Collection method: clinical testing. Allele origin: germline.

Athena Diagnostics
Classification: Likely benign. Last evaluated: 2024-04-25. Review status: criteria provided, single submitter. Criteria: Athena Diagnostics Criteria. Collection method: clinical testing. Allele origin: unknown.

Eurofins Ntd Llc (ga)
Classification: Uncertain significance. Last evaluated: 2018-01-12. Review status: criteria provided, single submitter. Criteria: EGL Classification Definitions 2015. Collection method: clinical testing. Allele origin: germline. Observed: 6 variant alleles, 6 heterozygotes.

NM_201384.3(PLEC):c.7527C>T (p.Ile2509=)

Gene: PLEC (plectin; minus strand). Cytogenetic location: 8q24.3.
Variant type: single nucleotide variant.
Coding change: c.7527C>T on transcript NM_201384.3 (MANE Select); coding-DNA position 7527, C replaced by T.
Protein change: p.Ile2509=; no amino-acid change (isoleucine 2509 retained).
Molecular consequence: synonymous variant.
Genome position (GRCh38, 1-based): chr8:143,922,294, G>A on the plus strand (C>T on the coding strand, the complement: PLEC is on the minus strand). VCF-style: chr8-143922294-G-A. GRCh37 (hg19) VCF-style: chr8-144996462-G-A.
Other names: p.Ile2495=; c.7608C>T, p.Ile2536= (NM_000445.5); c.7485C>T, p.Ile2495= (NM_201378.4); c.7461C>T, p.Ile2487= (NM_201379.3); c.7938C>T, p.Ile2646= (NM_201380.4); c.7431C>T, p.Ile2477= (NM_201381.3); c.7527C>T, p.Ile2509= (NM_201382.4); c.7539C>T, p.Ile2513= (NM_201383.3); and 1 more.
Identifiers: ClinVar variation 282405 (VCV000282405.20), dbSNP rs782605503, ClinGen allele CA4925595.
Genomic context (GRCh38, chr8:143,922,294, plus strand): 5'-CTGCTGTGCCTTGGCCACCTCGTCCTGGAAGAGCTGCTCCAGCTTGGCCTTCTCCTGCTC[G>A]ATGAAGCGCTCCCGCTGTAGCAGGCTGTCCTTTTCAGAGAGGAAGCTTTGCTGCAGGGCC-3'
Protein context (NP_958786.1, residues 2499-2519): KDSLLQRERF[Ile2509=]EQEKAKLEQL